The following is an entry in ClinVar:

NM_014000.3(VCL):c.2162C>G (p.Ser721Cys)

Gene: VCL (vinculin; plus strand). Cytogenetic location: 10q22.2.
Variant type: single nucleotide variant.
Coding change: c.2162C>G on transcript NM_014000.3 (MANE Select); coding-DNA position 2162, C replaced by G.
Protein change: p.Ser721Cys; replaces serine 721 with cysteine.
Molecular consequence: missense variant.
Genome position (GRCh38, 1-based): chr10:74,105,081, C>G. VCF-style: chr10-74105081-C-G. GRCh37 (hg19) VCF-style: chr10-75864839-C-G.
Other names: c.2162C>G, p.Ser721Cys (NM_003373.4); short protein forms S721C.
Identifiers: ClinVar variation 3706424 (VCV003706424.2).

ClinVar aggregate classification (germline): Uncertain significance (1 of 4 stars; one submission).

Conditions:
Dilated cardiomyopathy 1W (CMD1W). Identifiers: Orphanet 154, MedGen C1969639, MONDO:0012667, OMIM 611407.

gnomAD v4.1: 2 of 1,614,174 alleles (0.00012%); highest among the groups gnomAD compares: Non-Finnish European, 0.00017%; no homozygotes.

Submission:

Labcorp Genetics (formerly Invitae), Labcorp
Classification: Uncertain significance for Dilated cardiomyopathy 1W. Last evaluated: 2025-05-01. Review status: criteria provided, single submitter. Criteria: Invitae Variant Classification Sherloc (09022015). Collection method: clinical testing. Allele origin: germline.
Comment: This sequence change replaces serine, which is neutral and polar, with cysteine, which is neutral and slightly polar, at codon 721 of the VCL protein (p.Ser721Cys). This variant is present in population databases (no rsID available, gnomAD 0.0009%). This variant has not been reported in the literature in individuals affected with VCL-related conditions. ClinVar contains an entry for this variant (Variation ID: 3706424). An algorithm developed to predict the effect of missense changes on protein structure and function (PolyPhen-2) suggests that this variant is likely to be disruptive. In summary, the available evidence is currently insufficient to determine the role of this variant in disease. Therefore, it has been classified as a Variant of Uncertain Significance.